The following is an entry in ClinVar:

NM_001040167.2(LFNG):c.643G>A (p.Ala215Thr)

Gene: LFNG (LFNG O-fucosylpeptide 3-beta-N-acetylglucosaminyltransferase; plus strand). Cytogenetic location: 7p22.3.
Variant type: single nucleotide variant.
Coding change: c.643G>A on transcript NM_001040167.2 (MANE Select); coding-DNA position 643, G replaced by A.
Protein change: p.Ala215Thr; replaces alanine 215 with threonine.
Molecular consequence: missense variant.
Genome position (GRCh38, 1-based): chr7:2,525,475, G>A. VCF-style: chr7-2525475-G-A. GRCh37 (hg19) VCF-style: chr7-2565109-G-A.
Other names: c.643G>A, p.Ala215Thr (NM_001040168.2); c.430G>A, p.Ala144Thr (NM_001166355.2); c.256G>A, p.Ala86Thr (NM_002304.3); short protein forms A215T, A144T, A86T.
Identifiers: ClinVar variation 465827 (VCV000465827.8), dbSNP rs1160316709, ClinGen allele CA366617594.

ClinVar aggregate classification (germline): Uncertain significance (1 of 4 stars; one submission).

Conditions:
Spondylocostal dysostosis 3, autosomal recessive (SCDO3). Also called: LFNG-Related Spondylocostal Dysostosis, Autosomal Recessive. Identifiers: Orphanet 2311, MedGen C1853296, MONDO:0012349, OMIM 609813.

Allele frequency attached by ClinVar (database versions not stated): gnomAD 0.00001; TOPMed 0.00002.
gnomAD v4.1: 2 of 1,612,408 alleles (0.00012%); highest among the groups gnomAD compares: African/African-American, 0.0013%; no homozygotes.

Submission:

Labcorp Genetics (formerly Invitae), Labcorp
Classification: Uncertain significance for Spondylocostal dysostosis 3, autosomal recessive. Last evaluated: 2017-06-21. Review status: criteria provided, single submitter. Criteria: Invitae Variant Classification Sherloc (09022015). Collection method: clinical testing. Allele origin: germline.
Comment: This variant has not been reported in the literature in individuals with a LFNG-related disease. In summary, this variant has uncertain impact on LFNG function. The available evidence is currently insufficient to determine its role in disease. Therefore, it has been classified as a Variant of Uncertain Significance. Algorithms developed to predict the effect of missense changes on protein structure and function (SIFT, PolyPhen-2, Align-GVGD) all suggest that this variant is likely to be tolerated, but these predictions have not been confirmed by published functional studies and their clinical significance is uncertain. This variant is not present in population databases (ExAC no frequency). This sequence change replaces alanine with threonine at codon 215 of the LFNG protein (p.Ala215Thr). The alanine residue is weakly conserved and there is a small physicochemical difference between alanine and threonine.